The following is an entry in ClinVar:

NM_000548.5(TSC2):c.5346C>T (p.Ala1782=)

Gene: TSC2 (TSC complex subunit 2; plus strand). Cytogenetic location: 16p13.3.
Variant type: single nucleotide variant.
Coding change: c.5346C>T on transcript NM_000548.5 (MANE Select); coding-DNA position 5346, C replaced by T.
Protein change: p.Ala1782=; no amino-acid change (alanine 1782 retained).
Molecular consequence: synonymous variant.
Genome position (GRCh38, 1-based): chr16:2,088,532, C>T. VCF-style: chr16-2088532-C-T. GRCh37 (hg19) VCF-style: chr16-2138533-C-T.
Other names: c.5346C>T (NM_000548.4); c.5145C>T, p.Ala1715= (NM_001077183.3); c.5277C>T, p.Ala1759= (NM_001114382.3); c.5037C>T, p.Ala1679= (NM_001318827.2); c.5001C>T, p.Ala1667= (NM_001318829.2); c.4614C>T, p.Ala1538= (NM_001318831.2); c.5178C>T, p.Ala1726= (NM_001318832.2); c.5148C>T, p.Ala1716= (NM_001363528.2); and 3 more.
Identifiers: ClinVar variation 238086 (VCV000238086.27), dbSNP rs557200243, ClinGen allele CA055178.

ClinVar aggregate classification (germline): Benign/Likely benign. Review status: criteria provided, multiple submitters, no conflicts (2 of 4 stars). 12 submissions from 12 submitters: Benign (3); Likely benign (7). 2 of the submissions do not count toward it. Last evaluated 2026-01-27.

Conditions:
TSC2-related disorder. Also called: TSC2-related condition; TSC2-Related Disorders.
Hereditary cancer-predisposing syndrome. Also called: Neoplastic Syndromes, Hereditary; Hereditary neoplastic syndrome; Hereditary Cancer Syndrome; Tumor predisposition. Identifiers: Orphanet 140162, MedGen C0027672, MeSH D009386, MONDO:0015356.
Tuberous sclerosis syndrome (TSC). Also called: Tuberous sclerosis; Tuberous Sclerosis Complex. Identifiers: Orphanet 805, MedGen C0041341, MONDO:0001734.
Tuberous sclerosis 2 (TSC2). Identifiers: Orphanet 805, MedGen C1860707, MONDO:0013199, OMIM 613254.

Allele frequency attached by ClinVar (database versions not stated): ExAC 0.00005; TOPMed 0.00005.

Submissions (12):

PreventionGenetics, part of Exact Sciences
Classification: Likely benign for TSC2-related condition. Last evaluated: 2026-01-27. Review status: criteria provided, single submitter. Criteria: ACMG Guidelines, 2015. Collection method: clinical testing. Allele origin: germline.
Comment: This variant is classified as likely benign based on ACMG/AMP sequence variant interpretation guidelines (Richards et al. 2015 PMID: 25741868, with internal and published modifications).

Labcorp Genetics (formerly Invitae), Labcorp
Classification: Benign for Tuberous sclerosis 2. Last evaluated: 2026-01-26. Review status: criteria provided, single submitter. Criteria: Invitae Variant Classification Sherloc (09022015). Collection method: clinical testing. Allele origin: germline.

Myriad Genetics, Inc.
Classification: Benign for Tuberous sclerosis 2. Last evaluated: 2025-06-09. Review status: criteria provided, single submitter. Criteria: Myriad Autosomal Dominant, Autosomal Recessive and X-Linked Classification Criteria (2023). Collection method: clinical testing. Allele origin: unknown.
Comment: This variant is considered benign. This variant is a silent/synonymous amino acid change and it is not expected to impact splicing.

Blueprint Genetics
Classification: Likely benign. Last evaluated: 2024-09-16. Review status: criteria provided, single submitter. Criteria: ACMG Guidelines, 2015. Collection method: clinical testing. Allele origin: germline.

All of Us Research Program, National Institutes of Health
Classification: Likely benign for Tuberous sclerosis syndrome. Last evaluated: 2024-02-05. Review status: criteria provided, single submitter. Criteria: ACMG Guidelines, 2015. Collection method: clinical testing. Allele origin: germline. Inheritance: Autosomal dominant inheritance. Observed: 12 variant alleles, 12 heterozygotes.
Comment: This study involves interpretation of variants in research participants for the purpose of population health screening. Participant phenotype was not available at the time of variant classification. Additional details can be found in publication PMID: 35346344, PMCID: PMC8962531

Color Diagnostics, LLC DBA Color Health
Classification: Likely benign for Tuberous sclerosis syndrome. Last evaluated: 2022-11-06. Review status: criteria provided, single submitter. Criteria: ACMG Guidelines, 2015. Collection method: clinical testing. Allele origin: germline.

Genome-Nilou Lab
Classification: Benign for Tuberous sclerosis 2. Last evaluated: 2021-11-07. Review status: criteria provided, single submitter. Criteria: ACMG Guidelines, 2015. Collection method: clinical testing. Allele origin: germline. Affected: no.

Sema4
Classification: Likely benign for Hereditary cancer-predisposing syndrome. Last evaluated: 2021-08-25. Review status: criteria provided, single submitter. Criteria: Sema4 Curation Guidelines. Collection method: curation. Allele origin: germline.

GeneDx
Classification: Likely benign. Last evaluated: 2021-06-02. Review status: criteria provided, single submitter. Criteria: GeneDx Variant Classification Process June 2021. Collection method: clinical testing. Allele origin: germline. Affected: yes.

Ambry Genetics
Classification: Likely benign for Hereditary cancer-predisposing syndrome. Last evaluated: 2016-09-06. Review status: criteria provided, single submitter. Criteria: Ambry Variant Classification Scheme 2023. Collection method: clinical testing. Allele origin: germline.

Clinical Genetics DNA and cytogenetics Diagnostics Lab, Erasmus MC, Erasmus Medical Center
Classification: Likely benign. Review status: no assertion criteria provided. Collection method: clinical testing. Allele origin: germline. Affected: yes. Study: VKGL Data-share Consensus. Not counted in ClinVar's aggregate classification.

Clinical Genetics, Academic Medical Center
Classification: Likely benign. Review status: no assertion criteria provided. Collection method: clinical testing. Allele origin: germline. Affected: yes. Study: VKGL Data-share Consensus. Not counted in ClinVar's aggregate classification.